The following is an entry in ClinVar:

ClinVar aggregate classification (germline): Benign. Review status: reviewed by expert panel (3 of 4 stars). 7 submissions from 7 submitters: Benign (1). 6 of the submissions do not count toward it. Last evaluated 2024-12-03.

Conditions:
Inborn genetic diseases. Identifiers: MedGen C0950123, MeSH D030342.
RASopathy. Also called: Noonan spectrum disorder; rasopathies. Identifiers: Orphanet 536391, MedGen C5555857, MONDO:0021060.
MRAS-related disorder. Also called: MRAS-related condition.

Allele frequency attached by ClinVar (database versions not stated): TOPMed 0.00116; ESP Exome Variant Server 0.00131; gnomAD 0.00146 and 0.00086; gnomAD exomes 0.00208 and 0.00363; ExAC 0.00344; 1000 Genomes Project 30x 0.00406; 1000 Genomes Project 0.00439.
gnomAD v4.1: 3,324 of 1,611,978 alleles (0.21%); highest among the groups gnomAD compares: South Asian, 1.9%; 42 homozygotes.

Submissions (7):

ClinGen RASopathy Variant Curation Expert Panel
Classification: Benign for RASopathy. Last evaluated: 2024-12-03. Review status: reviewed by expert panel. Criteria: ClinGen RASopathy ACMG Specifications MRAS V1.4.0. Collection method: curation. Allele origin: germline. Inheritance: Autosomal dominant inheritance.
Comment: The c.453G>A (p.Pro151=) variant in MRAS is a synonymous variant at position 151. This variant has a filtering allele frequency of 1.748% in the South Asian population in gnomAD v2, which is higher than the ClinGen RASopathy VCEP threshold (>0.0005) for BA1, and therefore meets this criterion (BA1). In summary, this variant meets the criteria to be classified as benign for autosomal dominant RASopathy based on the ACMG/AMP criteria applied, as specified by the ClinGen RASopathy VCEP: BA1 (RASopathy VCEP specifications version 1.4; 12/3/2024)

Labcorp Genetics (formerly Invitae), Labcorp
Classification: Benign. Last evaluated: 2026-02-03. Review status: criteria provided, single submitter. Criteria: Invitae Variant Classification Sherloc (09022015). Collection method: clinical testing. Allele origin: germline. Not counted in ClinVar's aggregate classification.

Mayo Clinic Laboratories, Mayo Clinic
Classification: Benign. Last evaluated: 2023-08-08. Review status: criteria provided, single submitter. Criteria: ACMG Guidelines, 2015. Collection method: clinical testing. Allele origin: germline. Observed: 6 variant alleles. Not counted in ClinVar's aggregate classification.
Comment: BA1, BS2, BP4, BP7

Ambry Genetics
Classification: Likely benign for Inborn genetic diseases. Last evaluated: 2022-02-12. Review status: criteria provided, single submitter. Criteria: Ambry Variant Classification Scheme 2023. Collection method: clinical testing. Allele origin: germline. Not counted in ClinVar's aggregate classification.

GeneDx
Classification: Benign. Last evaluated: 2022-01-31. Review status: criteria provided, single submitter. Criteria: GeneDx Variant Classification Process June 2021. Collection method: clinical testing. Allele origin: germline. Affected: yes. Not counted in ClinVar's aggregate classification.

Women's Health and Genetics/Laboratory Corporation of America, LabCorp
Classification: Benign. Last evaluated: 2017-07-05. Review status: criteria provided, single submitter. Criteria: LabCorp Variant Classification Summary - May 2015. Collection method: clinical testing. Allele origin: germline. Not counted in ClinVar's aggregate classification.
Comment: Variant summary: The MRAS c.453G>A (p.Pro151Pro) variant involves the alteration of a non-conserved nucleotide, resulting in a synonymous change. One in silico tool predicts a damaging outcome for this variant. 5/5 splice prediction tools predict no significant impact on normal splicing. ESE finder predicts that this variant may affect ESE site of SRp55. However, these predictions have yet to be confirmed by functional studies. This variant was found in 417/121396 control chromosomes (7 homozygotes) from ExAC, predominantly observed in the South Asian subpopulation at a frequency of 0.016596 (274/16510). This frequency is about 6638 times the estimated maximal expected allele frequency of a pathogenic MRAS variant (0.0000025), suggesting this is likely a benign polymorphism found primarily in the populations of South Asian origin. The variant of interest has not, to our knowledge, been reported in affected individuals via publications and/or reputable databases/clinical diagnostic laboratories. Taken together, this variant is classified as benign.

PreventionGenetics, part of Exact Sciences
Classification: Benign for MRAS-related condition. Last evaluated: 2020-01-02. Review status: no assertion criteria provided. Collection method: clinical testing. Allele origin: germline. Not counted in ClinVar's aggregate classification.
Comment: This variant is classified as benign based on ACMG/AMP sequence variant interpretation guidelines (Richards et al. 2015 PMID: 25741868, with internal and published modifications).

NM_001085049.3(MRAS):c.453G>A (p.Pro151=)

Gene: MRAS (muscle RAS oncogene homolog; plus strand). Cytogenetic location: 3q22.3.
Variant type: single nucleotide variant.
Coding change: c.453G>A on transcript NM_001085049.3 (MANE Select); coding-DNA position 453, G replaced by A.
Protein change: p.Pro151=; no amino-acid change (proline 151 retained).
Molecular consequence: synonymous variant.
Genome position (GRCh38, 1-based): chr3:138,400,539, G>A. VCF-style: chr3-138400539-G-A. GRCh37 (hg19) VCF-style: chr3-138119381-G-A.
Other names: NM_001085049.3(MRAS):c.453G>A; p.Pro151=; c.453G>A, p.Pro151= (NM_001252090.2, NM_012219.4); c.225G>A, p.Pro75= (NM_001252091.1, NM_001252092.2, NM_001252093.2).
Identifiers: ClinVar variation 496410 (VCV000496410.16), dbSNP rs149904534, ClinGen allele CA2637031.
Genomic context (GRCh38, chr3:138,400,539, plus strand): 5'-ACAGGGCTTTGAGGATCTCTGTGCCACTTTGATCAAGTTGAGCTTTGCCTTCCAGATTCC[G>A]TACATAGAAACCAGTGCCAAGGACCCACCTCTCAATGTCGACAAAGCCTTCCATGACCTC-3'
Protein context (NP_001078518.1, residues 141-161): GKEMATKHNI[Pro151=]YIETSAKDPP